The following is an entry in ClinVar:

NM_006231.4(POLE):c.2227C>A (p.Leu743Ile)

Gene: POLE (DNA polymerase epsilon, catalytic subunit; minus strand). Cytogenetic location: 12q24.33.
Variant type: single nucleotide variant.
Coding change: c.2227C>A on transcript NM_006231.4 (MANE Select); coding-DNA position 2227, C replaced by A.
Protein change: p.Leu743Ile; replaces leucine 743 with isoleucine.
Molecular consequence: missense variant.
Genome position (GRCh38, 1-based): chr12:132,667,595, G>T on the plus strand (C>A on the coding strand, the complement: POLE is on the minus strand). VCF-style: chr12-132667595-G-T. GRCh37 (hg19) VCF-style: chr12-133244181-G-T.
Other names: short protein forms L743I.
Identifiers: ClinVar variation 4141183 (VCV004141183.1).
Genomic context (GRCh38, chr12:132,667,595, plus strand): 5'-CCCGGAAGGCACGCACGGTGTCCACGTAGAAGGAGTTTTCCCGCTGGCAGATGGTGGTGA[G>T]ACGCTCTTCCACCTTGGTGATGTGGATCTTCTTGTAGGCTTTCCGGCAGTAATCTAAGCA-3'
Protein context (NP_006222.2, residues 733-753): KIHITKVEER[Leu743Ile]TTICQRENSF

ClinVar aggregate classification (germline): Uncertain significance (1 of 4 stars; one submission).

Conditions:
Hereditary cancer-predisposing syndrome. Also called: Hereditary neoplastic syndrome; Neoplastic Syndromes, Hereditary; Tumor predisposition; Hereditary Cancer Syndrome. Identifiers: Orphanet 140162, MedGen C0027672, MeSH D009386, MONDO:0015356.

Submission:

Ambry Genetics
Classification: Uncertain significance for Hereditary cancer-predisposing syndrome. Last evaluated: 2025-07-28. Review status: criteria provided, single submitter. Criteria: Ambry Variant Classification Scheme 2023. Collection method: clinical testing. Allele origin: germline.
Comment: The p.L743I variant (also known as c.2227C>A), located in coding exon 20 of the POLE gene, results from a C to A substitution at nucleotide position 2227. The leucine at codon 743 is replaced by isoleucine, an amino acid with highly similar properties. This amino acid position is conserved. In addition, this alteration is predicted to be tolerated by in silico analysis. Based on the available evidence, the clinical significance of this variant remains unclear.